The following is an entry in ClinVar:

ClinVar aggregate classification (germline): Uncertain significance. Review status: criteria provided, multiple submitters, no conflicts (2 of 4 stars). 2 submissions from 2 submitters: Uncertain significance (2). Last evaluated 2020-08-19.

Allele frequency attached by ClinVar (database versions not stated): gnomAD 0.00001; gnomAD exomes 0.00001; TOPMed 0.00001.
gnomAD v4.1: 19 of 1,606,246 alleles (0.0012%); highest among the groups gnomAD compares: Non-Finnish European, 0.0015%; no homozygotes.

Submissions (2):

Labcorp Genetics (formerly Invitae), Labcorp
Classification: Uncertain significance. Last evaluated: 2020-08-19. Review status: criteria provided, single submitter. Criteria: Invitae Variant Classification Sherloc (09022015). Collection method: clinical testing. Allele origin: germline.
Comment: This sequence change replaces tyrosine with asparagine at codon 393 of the P3H2 protein (p.Tyr393Asn). The tyrosine residue is highly conserved and there is a large physicochemical difference between tyrosine and asparagine. This variant is not present in population databases (ExAC no frequency). This variant has not been reported in the literature in individuals with P3H2-related conditions. Algorithms developed to predict the effect of missense changes on protein structure and function (SIFT, PolyPhen-2, Align-GVGD) all suggest that this variant is likely to be disruptive, but these predictions have not been confirmed by published functional studies and their clinical significance is uncertain. In summary, the available evidence is currently insufficient to determine the role of this variant in disease. Therefore, it has been classified as a Variant of Uncertain Significance.

Blueprint Genetics
Classification: Uncertain significance. Last evaluated: 2019-05-15. Review status: criteria provided, single submitter. Criteria: ACMG Guidelines, 2015. Collection method: clinical testing. Allele origin: germline.

NM_018192.4(P3H2):c.1177T>A (p.Tyr393Asn)

Gene: P3H2 (prolyl 3-hydroxylase 2; minus strand). Cytogenetic location: 3q28.
Variant type: single nucleotide variant.
Coding change: c.1177T>A on transcript NM_018192.4 (MANE Select); coding-DNA position 1177, T replaced by A.
Protein change: p.Tyr393Asn; replaces tyrosine 393 with asparagine.
Molecular consequence: missense variant.
Genome position (GRCh38, 1-based): chr3:189,986,799, A>T on the plus strand (T>A on the coding strand, the complement: P3H2 is on the minus strand). VCF-style: chr3-189986799-A-T. GRCh37 (hg19) VCF-style: chr3-189704588-A-T.
Other names: c.634T>A, p.Tyr212Asn (NM_001134418.2); short protein forms Y212N, Y393N.
Identifiers: ClinVar variation 1053909 (VCV001053909.6), dbSNP rs1366004910, ClinGen allele CA355757066.